The following is an entry in ClinVar:

ClinVar aggregate classification (germline): Uncertain significance. Review status: criteria provided, multiple submitters, no conflicts (2 of 4 stars). 4 submissions from 4 submitters: Uncertain significance (4). Last evaluated 2025-03-16.

Conditions:
Cardiovascular phenotype. Identifiers: MedGen CN230736.
ANKRD1-related dilated cardiomyopathy. Identifiers: MedGen CN119551.

Allele frequency attached by ClinVar (database versions not stated): gnomAD exomes 0.00001; ExAC 0.00002; gnomAD 0.00002; TOPMed 0.00004; 1000 Genomes Project 30x 0.00031.

Submissions (4):

Labcorp Genetics (formerly Invitae), Labcorp
Classification: Uncertain significance for ANKRD1-related dilated cardiomyopathy. Last evaluated: 2025-03-16. Review status: criteria provided, single submitter. Criteria: Invitae Variant Classification Sherloc (09022015). Collection method: clinical testing. Allele origin: germline.
Comment: This sequence change creates a premature translational stop signal (p.Ala247Thrfs*12) in the ANKRD1 gene. It is expected to result in an absent or disrupted protein product. However, the current clinical and genetic evidence is not sufficient to establish whether loss-of-function variants in ANKRD1 cause disease. This variant is present in population databases (rs778060304, gnomAD 0.02%). This variant has not been reported in the literature in individuals affected with ANKRD1-related conditions. ClinVar contains an entry for this variant (Variation ID: 838316). In summary, the available evidence is currently insufficient to determine the role of this variant in disease. Therefore, it has been classified as a Variant of Uncertain Significance.

GeneDx
Classification: Uncertain significance. Last evaluated: 2023-10-18. Review status: criteria provided, single submitter. Criteria: GeneDx Variant Classification Process June 2021. Collection method: clinical testing. Allele origin: germline. Affected: yes.
Comment: Has not been previously published as pathogenic or benign to our knowledge; Not observed at significant frequency in large population cohorts (gnomAD); Frameshift variant predicted to result in protein truncation or nonsense mediated decay in a gene or region of a gene for which loss of function is not a well-established mechanism of disease

AiLife Diagnostics
Classification: Uncertain significance. Last evaluated: 2021-12-03. Review status: criteria provided, single submitter. Criteria: ACMG Guidelines, 2015. Collection method: clinical testing. Allele origin: germline. Affected: yes. Observed: 2 variant alleles.

Ambry Genetics
Classification: Uncertain significance for Cardiovascular phenotype. Last evaluated: 2020-07-13. Review status: criteria provided, single submitter. Criteria: Ambry Variant Classification Scheme 2023. Collection method: clinical testing. Allele origin: germline.
Comment: The c.739_745delGCCAAAG variant, located in coding exon 7 of the ANKRD1 gene, results from a deletion of 7 nucleotides at nucleotide positions 739 to 745, causing a translational frameshift with a predicted alternate stop codon (p.A247Tfs*12). This alteration is expected to result in premature protein truncation or nonsense-mediated mRNA decay. However, loss of function of ANKRD1 has not been clearly established as a mechanism of disease. Since supporting evidence is limited at this time, the clinical significance of this alteration remains unclear.

NM_014391.3(ANKRD1):c.739_745del (p.Ala247fs)

Gene: ANKRD1 (ankyrin repeat domain 1; minus strand). Cytogenetic location: 10q23.31.
Variant type: Deletion.
Coding change: c.739_745del on transcript NM_014391.3 (MANE Select); coding-DNA positions 739 to 745, 7 bases deleted (GCCAAAG; older notation c.739_745delGCCAAAG).
Protein change: p.Ala247fs; shifts the reading frame from alanine 247.
Molecular consequence: frameshift variant.
Genome position (GRCh38, 1-based): chr10:90,915,787-90,915,793, CTTTGGC deleted on the plus strand (GCCAAAG on the coding strand, the reverse complement: ANKRD1 is on the minus strand). VCF-style (leftmost placement, unchanged base first): chr10-90915786-TCTTTGGC-T. GRCh37 (hg19) VCF-style: chr10-92675543-TCTTTGGC-T.
Other names: c.739_745delGCCAAAG (NM_014391.2); short protein forms A247fs.
Identifiers: ClinVar variation 838316 (VCV000838316.11), dbSNP rs778060304, ClinGen allele CA5598633.
Genomic context (GRCh38, chr10:90,915,786, plus strand): 5'-TTCCAAATACAAAAGCAATGAAGCTTTGGGAAACCCGAGCGTGTCCAGCTACTCACTCTG[TCTTTGGC>T]GTTGAGGTCTGCCTCACAGGCGATAAGATGCTCCGCGCACTCATAGTGGCCAGTCCTCAC-3'